The following is an entry in ClinVar:

NM_000094.4(COL7A1):c.1427C>T (p.Pro476Leu)

Gene: COL7A1 (collagen type VII alpha 1 chain; minus strand). Cytogenetic location: 3p21.31.
Variant type: single nucleotide variant.
Coding change: c.1427C>T on transcript NM_000094.4 (MANE Select); coding-DNA position 1427, C replaced by T.
Protein change: p.Pro476Leu; replaces proline 476 with leucine.
Molecular consequence: missense variant.
Genome position (GRCh38, 1-based): chr3:48,591,753, G>A on the plus strand (C>T on the coding strand, the complement: COL7A1 is on the minus strand). VCF-style: chr3-48591753-G-A. GRCh37 (hg19) VCF-style: chr3-48629186-G-A.
Other names: short protein forms P476L.
Identifiers: ClinVar variation 2150518 (VCV002150518.2), dbSNP rs779142959, ClinGen allele CA2381213.
Genomic context (GRCh38, chr3:48,591,753, plus strand): 5'-GGGGTGGCCACCTCGTGGCCCTCCAGCAGAGTGTAGAGTGTGAGGCGGTACTCAGTGCCC[G>A]GCTGCAGCCCATCCAACTGGTAGCGGGTCACATCAGAGGGCAGTACCACCTTCTGCGGTG-3'
Protein context (NP_000085.1, residues 466-486): VTRYQLDGLQ[Pro476Leu]GTEYRLTLYT

ClinVar aggregate classification (germline): Uncertain significance. Review status: criteria provided, multiple submitters, no conflicts (2 of 4 stars). 2 submissions from 2 submitters: Uncertain significance (2). Last evaluated 2025-11-26.

Conditions:
Inborn genetic diseases. Identifiers: MedGen C0950123, MeSH D030342.

Allele frequency attached by ClinVar (database versions not stated): gnomAD exomes 0.00001; TOPMed 0.00003; gnomAD 0.00003; ExAC 0.00002.
gnomAD v4.1: 22 of 1,614,016 alleles (0.0014%); highest among the groups gnomAD compares: South Asian, 0.0066%; no homozygotes.

Submissions (2):

Ambry Genetics
Classification: Uncertain significance for Inborn genetic diseases. Last evaluated: 2025-11-26. Review status: criteria provided, single submitter. Criteria: Ambry Variant Classification Scheme 2023. Collection method: clinical testing. Allele origin: germline.

Labcorp Genetics (formerly Invitae), Labcorp
Classification: Uncertain significance. Last evaluated: 2022-09-12. Review status: criteria provided, single submitter. Criteria: Invitae Variant Classification Sherloc (09022015). Collection method: clinical testing. Allele origin: germline.
Comment: This sequence change replaces proline, which is neutral and non-polar, with leucine, which is neutral and non-polar, at codon 476 of the COL7A1 protein (p.Pro476Leu). The frequency data for this variant in the population databases is considered unreliable, as metrics indicate poor data quality at this position in the gnomAD database. This variant has not been reported in the literature in individuals affected with COL7A1-related conditions. Advanced modeling of protein sequence and biophysical properties (such as structural, functional, and spatial information, amino acid conservation, physicochemical variation, residue mobility, and thermodynamic stability) has been performed at Invitae for this missense variant, however the output from this modeling did not meet the statistical confidence thresholds required to predict the impact of this variant on COL7A1 protein function. In summary, the available evidence is currently insufficient to determine the role of this variant in disease. Therefore, it has been classified as a Variant of Uncertain Significance.